The following is an entry in ClinVar:

NM_006846.4(SPINK5):c.603-3C>T

Gene: SPINK5 (serine peptidase inhibitor Kazal type 5; plus strand). Cytogenetic location: 5q32.
Variant type: single nucleotide variant.
Coding change: c.603-3C>T on transcript NM_006846.4 (MANE Select); 3 bases into the intron before coding-DNA position 603, C replaced by T.
Molecular consequence: intron variant.
Genome position (GRCh38, 1-based): chr5:148,091,162, C>T. VCF-style: chr5-148091162-C-T. GRCh37 (hg19) VCF-style: chr5-147470725-C-T.
Other names: c.603-3C>T (NM_001127698.2, NM_001127699.2).
Identifiers: ClinVar variation 529159 (VCV000529159.7), dbSNP rs185217593, ClinGen allele CA3495288.
Genomic context (GRCh38, chr5:148,091,162, plus strand): 5'-GACTGAGGATACTGAAAATATGATTGAGTCATAAACTGACCAACTGTTTACTTTTCTTAA[C>T]AGTTTAAAAGAAGCTGAAAATGCCAAGCGAGAGGGTGAAACTAGAATTCGACGAAATGCT-3'

ClinVar aggregate classification (germline): Uncertain significance (1 of 4 stars; one submission).

Conditions:
Netherton syndrome (NETH). Also called: ERYTHRODERMA, ICHTHYOSIFORM, WITH HYPOTRICHOSIS AND HYPER-IgE; COMEL-NETHERTON SYNDROME; NETHERTON DISEASE. Identifiers: Orphanet 634, MedGen C5574950, MONDO:0009735, OMIM 256500.

Allele frequency attached by ClinVar (database versions not stated): ExAC 0.00004; gnomAD exomes 0.00004 and 0.00008; ESP Exome Variant Server 0.00017; 1000 Genomes Project 0.00020; TOPMed 0.00030; 1000 Genomes Project 30x 0.00031; gnomAD 0.00034 and 0.00038.
gnomAD v4.1: 105 of 1,610,506 alleles (0.0065%); highest among the groups gnomAD compares: African/African-American, 0.12%; no homozygotes.

Submission:

Labcorp Genetics (formerly Invitae), Labcorp
Classification: Uncertain significance for Ichthyosis linearis circumflexa. Last evaluated: 2022-09-19. Review status: criteria provided, single submitter. Criteria: Invitae Variant Classification Sherloc (09022015). Collection method: clinical testing. Allele origin: germline.
Comment: This sequence change falls in intron 7 of the SPINK5 gene. It does not directly change the encoded amino acid sequence of the SPINK5 protein. It affects a nucleotide within the consensus splice site. This variant is present in population databases (rs185217593, gnomAD 0.08%). This variant has not been reported in the literature in individuals affected with SPINK5-related conditions. ClinVar contains an entry for this variant (Variation ID: 529159). Variants that disrupt the consensus splice site are a relatively common cause of aberrant splicing (PMID: 17576681, 9536098). Algorithms developed to predict the effect of sequence changes on RNA splicing suggest that this variant is not likely to affect RNA splicing. In summary, the available evidence is currently insufficient to determine the role of this variant in disease. Therefore, it has been classified as a Variant of Uncertain Significance.

Literature cited by the submitters: PubMed 17576681; PubMed 9536098.